The following is an entry in ClinVar:

ClinVar aggregate classification (germline): Uncertain significance (1 of 4 stars; one submission).

Conditions:
Long QT syndrome (LQTS). Identifiers: MedGen C0023976, MeSH D008133, MONDO:0002442. Disease mechanism: loss of function. Inheritance: Various modes of inheritance.

Submission:

Labcorp Genetics (formerly Invitae), Labcorp
Classification: Uncertain significance for Long QT syndrome. Last evaluated: 2016-09-11. Review status: criteria provided, single submitter. Criteria: Invitae Variant Classification Sherloc (09022015). Collection method: clinical testing. Allele origin: germline.
Comment: This sequence change replaces serine with asparagine at codon 2330 of the ANK2 protein (p.Ser2330Asn). The serine residue is weakly conserved and there is a small physicochemical difference between serine and asparagine. This variant is not present in population databases (ExAC no frequency) and has not been reported in the literature in individuals with a ANK2-related disease. Algorithms developed to predict the effect of missense changes on protein structure and function (SIFT, PolyPhen-2, Align-GVGD) all suggest that this variant is likely to be tolerated, but these predictions have not been confirmed by published functional studies. In summary, this variant is a novel missense change that is not predicted to affect protein function. There is no indication that it causes disease, but the available evidence is currently insufficient to prove that conclusively. Therefore, it has been classified as a Variant of Uncertain Significance.

NM_001148.6(ANK2):c.6989G>A (p.Ser2330Asn)

Genes: ANK2 (ankyrin 2; plus strand), LOC126807137 (CDK7 strongly-dependent group 2 enhancer GRCh37_chr4:114276560-114277759; plus strand). Cytogenetic location: 4q26.
Variant type: single nucleotide variant.
Coding change: c.6989G>A on transcript NM_001148.6 (MANE Select); coding-DNA position 6989, G replaced by A.
Protein change: p.Ser2330Asn; replaces serine 2330 with asparagine.
Molecular consequence: missense variant. On other transcripts: intron variant (68).
Genome position (GRCh38, 1-based): chr4:113,355,607, G>A. VCF-style: chr4-113355607-G-A. GRCh37 (hg19) VCF-style: chr4-114276763-G-A.
Other names: c.6755G>A, p.Ser2252Asn (NM_001386142.1); c.3389G>A, p.Ser1130Asn (NM_001386166.1); c.7130G>A, p.Ser2377Asn (NM_001386174.1); c.7106G>A, p.Ser2369Asn (NM_001386175.1); c.4412-5216G>A (NM_001386186.2, NM_001386148.2); c.4214-5216G>A (NM_001354269.3); c.4292-5216G>A (NM_001386187.2); c.4253-5216G>A (NM_001386147.1); and 35 more; short protein forms S2330N, S1130N, S2252N, S2369N, S2377N.
Identifiers: ClinVar variation 406481 (VCV000406481.5), dbSNP rs1060501159, ClinGen allele CA16611492.